The following is an entry in ClinVar:

ClinVar aggregate classification (germline): Uncertain significance (1 of 4 stars; one submission).

Conditions:
Neuropathy, hereditary sensory and autonomic, type 2A (HSAN2A). Also called: HSAN IIA; WNK1-Related HSAN2 (HSAN2A); ACROOSTEOLYSIS, GIACCAI TYPE; ACROOSTEOLYSIS, NEUROGENIC; MORVAN DISEASE; NEUROPATHY, CONGENITAL SENSORY. Identifiers: Orphanet 970, MedGen C2752089, MONDO:0024309, OMIM 201300.
Pseudohypoaldosteronism type 2C (PHA2C). Also called: Pseudohypoaldosteronism Type IIC. Identifiers: Orphanet 757, Orphanet 88940, MedGen C1840391, MONDO:0013778, OMIM 614492.

Allele frequency attached by ClinVar (database versions not stated): gnomAD exomes below 0.00001.
gnomAD v4.1: 1 of 1,614,014 alleles (0.000062%); highest among the groups gnomAD compares: Non-Finnish European, 0.000085%; no homozygotes.

Submission:

Labcorp Genetics (formerly Invitae), Labcorp
Classification: Uncertain significance for Neuropathy, hereditary sensory and autonomic, type 2A; Pseudohypoaldosteronism type 2C. Last evaluated: 2023-03-13. Review status: criteria provided, single submitter. Criteria: Invitae Variant Classification Sherloc (09022015). Collection method: clinical testing. Allele origin: germline.
Comment: This variant has not been reported in the literature in individuals affected with WNK1-related conditions. Advanced modeling of protein sequence and biophysical properties (such as structural, functional, and spatial information, amino acid conservation, physicochemical variation, residue mobility, and thermodynamic stability) performed at Invitae indicates that this missense variant is not expected to disrupt WNK1 protein function. This variant is not present in population databases (gnomAD no frequency). This sequence change replaces proline, which is neutral and non-polar, with serine, which is neutral and polar, at codon 1102 of the WNK1 protein (p.Pro1102Ser). In summary, the available evidence is currently insufficient to determine the role of this variant in disease. Therefore, it has been classified as a Variant of Uncertain Significance.

NM_213655.5(WNK1):c.3304C>T (p.Pro1102Ser)

Gene: WNK1 (WNK lysine deficient protein kinase 1; plus strand). Cytogenetic location: 12p13.33.
Variant type: single nucleotide variant.
Coding change: c.3304C>T on transcript NM_213655.5 (MANE Plus Clinical); coding-DNA position 3304, C replaced by T.
Protein change: p.Pro1102Ser; replaces proline 1102 with serine.
Molecular consequence: missense variant. On other transcripts: intron variant (2).
Genome position (GRCh38, 1-based): chr12:868,775, C>T. VCF-style: chr12-868775-C-T. GRCh37 (hg19) VCF-style: chr12-977941-C-T.
Other names: c.3049C>T, p.Pro1017Ser (NM_001184985.2); c.2140-2490C>T (NM_018979.4, NM_014823.3); short protein forms P1102S, P1017S.
Identifiers: ClinVar variation 2925943 (VCV002925943.3), dbSNP rs2548801357, ClinGen allele CA383341816.
Genomic context (GRCh38, chr12:868,775, plus strand): 5'-GTGGACTTGAATCAAGAAGAACTGCCTCCTCAATCAGTTGGATTACATGGCTACTTGCAG[C>T]CTGTGACTGAAGAAAAGCATAATTACCATGCCCCAGAATTGACCGTTTCTGTGGTAGAGC-3'
Protein context (NP_998820.3, residues 1092-1112): QSVGLHGYLQ[Pro1102Ser]VTEEKHNYHA